The following is an entry in ClinVar:

NM_004211.5(SLC6A5):c.2234T>C (p.Ile745Thr)

Gene: SLC6A5 (solute carrier family 6 member 5; plus strand). Cytogenetic location: 11p15.1.
Variant type: single nucleotide variant.
Coding change: c.2234T>C on transcript NM_004211.5 (MANE Select); coding-DNA position 2234, T replaced by C.
Protein change: p.Ile745Thr; replaces isoleucine 745 with threonine.
Molecular consequence: missense variant.
Genome position (GRCh38, 1-based): chr11:20,652,452, T>C. VCF-style: chr11-20652452-T-C. GRCh37 (hg19) VCF-style: chr11-20673998-T-C.
Other names: c.1532T>C, p.Ile511Thr (NM_001318369.2); short protein forms I511T, I745T.
Identifiers: ClinVar variation 2080590 (VCV002080590.1), dbSNP rs144642963, ClinGen allele CA5921725.

ClinVar aggregate classification (germline): Uncertain significance (1 of 4 stars; one submission).

Conditions:
Hyperekplexia 3 (HKPX3). Also called: HYPEREKPLEXIA 3, AUTOSOMAL RECESSIVE; HYPEREKPLEXIA 3, AUTOSOMAL DOMINANT. Identifiers: Orphanet 3197, MedGen C3553288, MONDO:0013827, OMIM 614618.

Allele frequency attached by ClinVar (database versions not stated): ExAC 0.00004; TOPMed 0.00005; gnomAD 0.00006; ESP Exome Variant Server 0.00008.
gnomAD v4.1: 26 of 1,613,604 alleles (0.0016%); highest among the groups gnomAD compares: African/African-American, 0.024%; no homozygotes.

Submission:

Labcorp Genetics (formerly Invitae), Labcorp
Classification: Uncertain significance for Hyperekplexia 3. Last evaluated: 2022-05-24. Review status: criteria provided, single submitter. Criteria: Invitae Variant Classification Sherloc (09022015). Collection method: clinical testing. Allele origin: germline.
Comment: This sequence change replaces isoleucine, which is neutral and non-polar, with threonine, which is neutral and polar, at codon 745 of the SLC6A5 protein (p.Ile745Thr). This variant is present in population databases (rs144642963, gnomAD 0.02%). This variant has not been reported in the literature in individuals affected with SLC6A5-related conditions. Advanced modeling of protein sequence and biophysical properties (such as structural, functional, and spatial information, amino acid conservation, physicochemical variation, residue mobility, and thermodynamic stability) performed at Invitae indicates that this missense variant is not expected to disrupt SLC6A5 protein function. In summary, the available evidence is currently insufficient to determine the role of this variant in disease. Therefore, it has been classified as a Variant of Uncertain Significance.